The following is an entry in ClinVar:

ClinVar aggregate classification (germline): Likely pathogenic (1 of 4 stars; one submission).

Allele frequency attached by ClinVar (database versions not stated): gnomAD exomes below 0.00001.
gnomAD v4.1: 1 of 1,614,160 alleles (0.000062%); highest among the groups gnomAD compares: South Asian, 0.0011%; no homozygotes.

Submission:

GeneDx
Classification: Likely pathogenic. Last evaluated: 2026-08-03. Review status: criteria provided, single submitter. Criteria: GeneDx Variant Classification Process June 2021. Collection method: clinical testing. Allele origin: germline.
Comment: Not observed at significant frequency in large population cohorts (gnomAD); In silico analysis supports that this missense variant has a deleterious effect on protein structure/function; Has not been previously published as pathogenic or benign to our knowledge

NM_024577.4(SH3TC2):c.2641A>G (p.Asn881Asp)

Gene: SH3TC2 (SH3 domain and tetratricopeptide repeats 2; minus strand). Cytogenetic location: 5q32.
Variant type: single nucleotide variant.
Coding change: c.2641A>G on transcript NM_024577.4 (MANE Select); coding-DNA position 2641, A replaced by G.
Protein change: p.Asn881Asp; replaces asparagine 881 with aspartic acid.
Molecular consequence: missense variant.
Genome position (GRCh38, 1-based): chr5:149,027,091, T>C on the plus strand (A>G on the coding strand, the complement: SH3TC2 is on the minus strand). VCF-style: chr5-149027091-T-C. GRCh37 (hg19) VCF-style: chr5-148406654-T-C.
Other names: short protein forms N881D.
Identifiers: ClinVar variation 1702708 (VCV001702708.3), dbSNP rs1245478540, ClinGen allele CA361665943.
Genomic context (GRCh38, chr5:149,027,091, plus strand): 5'-GCAGGAGATAGTTTCTGGCTGGATGCTGAGCCCAGGACTTAAGGCTCAGGTGGCCAAGAT[T>C]GGCCATAGCCACTGCCTGGTTATGCACATCTCCCACCTCCTGGGCTCTGTTCAAGGCCCG-3'
Protein context (NP_078853.2, residues 871-891): DVHNQAVAMA[Asn881Asp]LGHLSLKSWA